The following is an entry in ClinVar:

ClinVar aggregate classification (germline): Uncertain significance. Review status: criteria provided, multiple submitters, no conflicts (2 of 4 stars). 3 submissions from 3 submitters: Uncertain significance (3). Last evaluated 2026-03-06.

Conditions:
INPP5E-related disorder. Also called: INPP5E-related condition.
Joubert syndrome. Also called: Familial aplasia of the vermis; JOUBERT-BOLTSHAUSER SYNDROME. Identifiers: Orphanet 475, MedGen C5979921, MONDO:0018772.

Allele frequency attached by ClinVar (database versions not stated): gnomAD exomes 0.00001; ExAC 0.00002.
gnomAD v4.1: 7 of 1,614,112 alleles (0.00043%); highest among the groups gnomAD compares: Non-Finnish European, 0.00051%; no homozygotes.

Submissions (3):

PreventionGenetics, part of Exact Sciences
Classification: Uncertain significance for INPP5E-related condition. Last evaluated: 2026-03-06. Review status: criteria provided, single submitter. Criteria: ACMG Guidelines, 2015. Collection method: clinical testing. Allele origin: germline.
Comment: The INPP5E c.1919T>C variant is predicted to result in the amino acid substitution p.Ile640Thr. To our knowledge, this variant has not been reported in the literature. This variant is reported in 0.00088% of alleles in individuals of European (Non-Finnish) descent in gnomAD. At this time, the clinical significance of this variant is uncertain due to the absence of conclusive functional and genetic evidence.

Labcorp Genetics (formerly Invitae), Labcorp
Classification: Uncertain significance for Joubert syndrome. Last evaluated: 2025-09-08. Review status: criteria provided, single submitter. Criteria: Invitae Variant Classification Sherloc (09022015). Collection method: clinical testing. Allele origin: germline.
Comment: This sequence change replaces isoleucine, which is neutral and non-polar, with threonine, which is neutral and polar, at codon 640 of the INPP5E protein (p.Ile640Thr). This variant is present in population databases (rs753001340, gnomAD 0.0009%). This variant has not been reported in the literature in individuals affected with INPP5E-related conditions. ClinVar contains an entry for this variant (Variation ID: 216708). Invitae Evidence Modeling of protein sequence and biophysical properties (such as structural, functional, and spatial information, amino acid conservation, physicochemical variation, residue mobility, and thermodynamic stability) has been performed for this missense variant. However, the output from this modeling did not meet the statistical confidence thresholds required to predict the impact of this variant on INPP5E protein function. In summary, the available evidence is currently insufficient to determine the role of this variant in disease. Therefore, it has been classified as a Variant of Uncertain Significance.

Blueprint Genetics
Classification: Uncertain significance. Last evaluated: 2023-07-13. Review status: criteria provided, single submitter. Criteria: ACMG Guidelines, 2015. Collection method: clinical testing. Allele origin: germline.

NM_019892.6(INPP5E):c.1919T>C (p.Ile640Thr)

Gene: INPP5E (inositol polyphosphate-5-phosphatase E; minus strand). Cytogenetic location: 9q34.3.
Variant type: single nucleotide variant.
Coding change: c.1919T>C on transcript NM_019892.6 (MANE Select); coding-DNA position 1919, T replaced by C.
Protein change: p.Ile640Thr; replaces isoleucine 640 with threonine.
Molecular consequence: missense variant.
Genome position (GRCh38, 1-based): chr9:136,429,691, A>G on the plus strand (T>C on the coding strand, the complement: INPP5E is on the minus strand). VCF-style: chr9-136429691-A-G. GRCh37 (hg19) VCF-style: chr9-139324143-A-G.
Other names: c.1916T>C, p.Ile639Thr (NM_001318502.2); c.1919T>C (NM_019892.5); short protein forms I640T, I639T.
Identifiers: ClinVar variation 216708 (VCV000216708.9), dbSNP rs753001340, ClinGen allele CA336746.